The following is an entry in ClinVar:

NM_001379110.1(SLC9A6):c.953G>A (p.Trp318Ter)

Gene: SLC9A6 (solute carrier family 9 member A6; plus strand). Cytogenetic location: Xq26.3.
Variant type: single nucleotide variant.
Coding change: c.953G>A on transcript NM_001379110.1 (MANE Select); coding-DNA position 953, G replaced by A.
Protein change: p.Trp318Ter; replaces tryptophan 318 with a stop codon.
Molecular consequence: nonsense.
Genome position (GRCh38, 1-based): chrX:136,013,016, G>A. VCF-style: chrX-136013016-G-A. GRCh37 (hg19) VCF-style: chrX-135095175-G-A.
Other names: c.953G>A, p.Trp318Ter (NM_001400909.1, NM_001400910.1, NM_001400911.1 and 2 more transcripts); c.857G>A, p.Trp286Ter (NM_001400913.1, NM_001330652.2); c.1013G>A, p.Trp338Ter (NM_006359.3); c.1109G>A, p.Trp370Ter (NM_001042537.2); short protein forms W370*, W338*, W286*, W318*.
Identifiers: ClinVar variation 2126482 (VCV002126482.5), dbSNP rs2148173968, ClinGen allele CA414751752.

ClinVar aggregate classification (germline): Pathogenic (1 of 4 stars; one submission).

Conditions:
Christianson syndrome (MRXSCH). Also called: X-linked mental retardation, syndromic, Christianson type; SLC9A6-Related Syndromic Mental Retardation; INTELLECTUAL DEVELOPMENTAL DISORDER, X-LINKED, SYNDROMIC, CHRISTIANSON TYPE. Identifiers: Orphanet 85278, MedGen C2678194, MONDO:0010278, OMIM 300243.

Submissions (2):

Labcorp Genetics (formerly Invitae), Labcorp
Classification: Pathogenic for Christianson syndrome. Last evaluated: 2022-04-15. Review status: criteria provided, single submitter. Criteria: Invitae Variant Classification Sherloc (09022015). Collection method: clinical testing. Allele origin: germline.
Comment: This sequence change creates a premature translational stop signal (p.Trp338*) in the SLC9A6 gene. It is expected to result in an absent or disrupted protein product. Loss-of-function variants in SLC9A6 are known to be pathogenic (PMID: 18342287). For these reasons, this variant has been classified as Pathogenic. Algorithms developed to predict the effect of sequence changes on RNA splicing suggest that this variant may disrupt the consensus splice site. This variant has not been reported in the literature in individuals affected with SLC9A6-related conditions. This variant is not present in population databases (gnomAD no frequency).

Dr. Peter K. Rogan Lab, Western University
No classification provided (evidence only). Condition: Thyroid cancer, nonmedullary, 1. Review status: no classification provided. Collection method: in vitro. Allele origin: not applicable. Functional consequence: retained intron. Not counted in ClinVar's aggregate classification.

Literature cited by the submitters: PubMed 18342287 (cited by Labcorp Genetics (formerly Invitae), Labcorp).